The following is an entry in ClinVar:

ClinVar aggregate classification (germline): Benign (1 of 4 stars; one submission).

Allele frequency attached by ClinVar (database versions not stated): TOPMed 0.97608; gnomAD 0.97745 and 0.97914; 1000 Genomes Project 30x 0.98032; 1000 Genomes Project 0.98063.
gnomAD v4.1: 149,174 of 152,322 alleles (98%); highest among the groups gnomAD compares: East Asian, 100%; 73,107 homozygotes.

Submission:

GeneDx
Classification: Benign. Last evaluated: 2018-06-16. Review status: criteria provided, single submitter. Criteria: GeneDx Variant Classification (06012015). Collection method: clinical testing. Allele origin: germline. Affected: yes.
Comment: This variant is considered likely benign or benign based on one or more of the following criteria: it is a conservative change, it occurs at a poorly conserved position in the protein, it is predicted to be benign by multiple in silico algorithms, and/or has population frequency not consistent with disease.

NM_018249.6(CDK5RAP2):c.306+251G>A

Gene: CDK5RAP2 (CDK5 regulatory subunit associated protein 2; minus strand). Cytogenetic location: 9q33.2.
Variant type: single nucleotide variant.
Coding change: c.306+251G>A on transcript NM_018249.6 (MANE Select); 251 bases into the intron after coding-DNA position 306, G replaced by A.
Molecular consequence: intron variant.
Genome position (GRCh38, 1-based): chr9:120,550,541, C>T on the plus strand (G>A on the coding strand, the complement: CDK5RAP2 is on the minus strand). VCF-style: chr9-120550541-C-T. GRCh37 (hg19) VCF-style: chr9-123312819-C-T.
Other names: c.306+251G>A (NM_001272039.2, NM_001011649.3).
Identifiers: ClinVar variation 668860 (VCV000668860.1), dbSNP rs10732388, ClinGen allele CA199304907.